The following is an entry in ClinVar:

NM_174934.4(SCN4B):c.593+274C>T

Gene: SCN4B (sodium voltage-gated channel beta subunit 4; minus strand). Cytogenetic location: 11q23.3.
Variant type: single nucleotide variant.
Coding change: c.593+274C>T on transcript NM_174934.4 (MANE Select); 274 bases into the intron after coding-DNA position 593, C replaced by T.
Molecular consequence: intron variant.
Genome position (GRCh38, 1-based): chr11:118,140,933, G>A on the plus strand (C>T on the coding strand, the complement: SCN4B is on the minus strand). VCF-style: chr11-118140933-G-A. GRCh37 (hg19) VCF-style: chr11-118011648-G-A.
Other names: c.191+274C>T (NM_001142348.2); c.263+274C>T (NM_001142349.2).
Identifiers: ClinVar variation 673545 (VCV000673545.1), dbSNP rs76447720, ClinGen allele CA229487060.

ClinVar aggregate classification (germline): Likely benign (1 of 4 stars; one submission).

Allele frequency attached by ClinVar (database versions not stated): gnomAD 0.00795; 1000 Genomes Project 30x 0.00796; TOPMed 0.00835; 1000 Genomes Project 0.00859.

Submission:

GeneDx
Classification: Likely benign. Last evaluated: 2018-06-16. Review status: criteria provided, single submitter. Criteria: GeneDx Variant Classification (06012015). Collection method: clinical testing. Allele origin: germline. Affected: yes.
Comment: This variant is considered likely benign or benign based on one or more of the following criteria: it is a conservative change, it occurs at a poorly conserved position in the protein, it is predicted to be benign by multiple in silico algorithms, and/or has population frequency not consistent with disease.